The following is an entry in ClinVar:

ClinVar aggregate classification (germline): Uncertain significance (1 of 4 stars; one submission).

Conditions:
Nephronophthisis. Also called: Juvenile Nephronophthisis. Identifiers: Orphanet 655, MedGen C0687120, MONDO:0019005, HP:0000090.
Jeune thoracic dystrophy. Also called: Jeune syndrome; Infantile thoracic dystrophy; Thoracic pelvic phalangeal dystrophy; Jeune's syndrome; Chondroectodermal dysplasia-like syndrome; Short-rib thoracic dysplasia. Identifiers: Orphanet 474, MedGen C0265275, MONDO:0018770.

Submission:

Labcorp Genetics (formerly Invitae), Labcorp
Classification: Uncertain significance for Jeune thoracic dystrophy; Nephronophthisis. Last evaluated: 2022-05-12. Review status: criteria provided, single submitter. Criteria: Invitae Variant Classification Sherloc (09022015). Collection method: clinical testing. Allele origin: germline.
Comment: In summary, the available evidence is currently insufficient to determine the role of this variant in disease. Therefore, it has been classified as a Variant of Uncertain Significance. Algorithms developed to predict the effect of missense changes on protein structure and function output the following: SIFT: "Tolerated"; PolyPhen-2: "Benign"; Align-GVGD: "Class C0". The isoleucine amino acid residue is found in multiple mammalian species, which suggests that this missense change does not adversely affect protein function. This variant has not been reported in the literature in individuals affected with TTC21B-related conditions. This variant is not present in population databases (gnomAD no frequency). This sequence change replaces valine, which is neutral and non-polar, with isoleucine, which is neutral and non-polar, at codon 1268 of the TTC21B protein (p.Val1268Ile).

NM_024753.5(TTC21B):c.3802G>A (p.Val1268Ile)

Gene: TTC21B (tetratricopeptide repeat domain 21B; minus strand). Cytogenetic location: 2q24.3.
Variant type: single nucleotide variant.
Coding change: c.3802G>A on transcript NM_024753.5 (MANE Select); coding-DNA position 3802, G replaced by A.
Protein change: p.Val1268Ile; replaces valine 1268 with isoleucine.
Molecular consequence: missense variant.
Genome position (GRCh38, 1-based): chr2:165,880,682, C>T on the plus strand (G>A on the coding strand, the complement: TTC21B is on the minus strand). VCF-style: chr2-165880682-C-T. GRCh37 (hg19) VCF-style: chr2-166737192-C-T.
Other names: short protein forms V1268I.
Identifiers: ClinVar variation 1993850 (VCV001993850.4), dbSNP rs2468104028, ClinGen allele CA349045647.
Genomic context (GRCh38, chr2:165,880,682, plus strand): 5'-AATTAATAAATACAACATAATTTTTCTGTGAAAAATCTAGGTGATTGCCAAACTCACCTA[C>T]TGCCGGATTTGTCCGATTGCTATATTTCCATGCCATCTCATAGTTCAAGGCAGCATCTGT-3'
Protein context (NP_079029.3, residues 1258-1278): WKYSNRTNPA[Val1268Ile]GYKLAFNYLK